The following is an entry in ClinVar:

NM_000814.6(GABRB3):c.676G>A (p.Ala226Thr)

Gene: GABRB3 (gamma-aminobutyric acid type A receptor subunit beta3; minus strand). Cytogenetic location: 15q12.
Variant type: single nucleotide variant.
Coding change: c.676G>A on transcript NM_000814.6 (MANE Select); coding-DNA position 676, G replaced by A.
Protein change: p.Ala226Thr; replaces alanine 226 with threonine.
Molecular consequence: missense variant.
Genome position (GRCh38, 1-based): chr15:26,580,325, C>T on the plus strand (G>A on the coding strand, the complement: GABRB3 is on the minus strand). VCF-style: chr15-26580325-C-T. GRCh37 (hg19) VCF-style: chr15-26825472-C-T.
Other names: c.421G>A, p.Ala141Thr (NM_001191320.2, NM_001278631.2); c.463G>A, p.Ala155Thr (NM_001191321.3); c.676G>A, p.Ala226Thr (NM_021912.5); short protein forms A141T, A155T, A226T.
Identifiers: ClinVar variation 1800640 (VCV001800640.4), dbSNP rs1890741913, ClinGen allele CA391463896.

ClinVar aggregate classification (germline): Uncertain significance. Review status: criteria provided, multiple submitters, no conflicts (2 of 4 stars). 2 submissions from 2 submitters: Uncertain significance (2). Last evaluated 2024-12-23.

Conditions:
Epilepsy, childhood absence, susceptibility to, 1. Also called: Epilepsy, childhood absence 1. Identifiers: Orphanet 64280, MedGen C1838604, MONDO:0020759, OMIM 600131.
Epilepsy, childhood absence, susceptibility to, 5. Identifiers: Orphanet 64280, MedGen C2677087, MONDO:0012843, OMIM 612269.

Allele frequency attached by ClinVar (database versions not stated): TOPMed below 0.00001; gnomAD exomes below 0.00001.
gnomAD v4.1: 4 of 1,614,124 alleles (0.00025%); highest among the groups gnomAD compares: Middle Eastern, 0.016%; no homozygotes.

Submissions (2):

GeneDx
Classification: Uncertain significance. Last evaluated: 2024-12-23. Review status: criteria provided, single submitter. Criteria: GeneDx Variant Classification Process June 2021. Collection method: clinical testing. Allele origin: germline.
Comment: Not observed at significant frequency in large population cohorts (gnomAD); In silico analysis indicates that this missense variant does not alter protein structure/function; Has not been previously published as pathogenic or benign to our knowledge; This variant is associated with the following publications: (PMID: 38014242)

Labcorp Genetics (formerly Invitae), Labcorp
Classification: Uncertain significance for Epilepsy, childhood absence, susceptibility to, 5; Epilepsy, childhood absence, susceptibility to, 1. Last evaluated: 2024-03-10. Review status: criteria provided, single submitter. Criteria: Invitae Variant Classification Sherloc (09022015). Collection method: clinical testing. Allele origin: germline.
Comment: This sequence change replaces alanine, which is neutral and non-polar, with threonine, which is neutral and polar, at codon 226 of the GABRB3 protein (p.Ala226Thr). This variant is not present in population databases (gnomAD no frequency). This variant has not been reported in the literature in individuals affected with GABRB3-related conditions. ClinVar contains an entry for this variant (Variation ID: 1800640). Advanced modeling of protein sequence and biophysical properties (such as structural, functional, and spatial information, amino acid conservation, physicochemical variation, residue mobility, and thermodynamic stability) performed at Invitae indicates that this missense variant is not expected to disrupt GABRB3 protein function with a negative predictive value of 95%. In summary, the available evidence is currently insufficient to determine the role of this variant in disease. Therefore, it has been classified as a Variant of Uncertain Significance.